The following is an entry in ClinVar:

NM_000264.5(PTCH1):c.3169G>A (p.Val1057Met)

Gene: PTCH1 (patched 1; minus strand). Cytogenetic location: 9q22.32.
Variant type: single nucleotide variant.
Coding change: c.3169G>A on transcript NM_000264.5 (MANE Select); coding-DNA position 3169, G replaced by A.
Protein change: p.Val1057Met; replaces valine 1057 with methionine.
Molecular consequence: missense variant. On other transcripts: non-coding transcript variant (1).
Genome position (GRCh38, 1-based): chr9:95,456,413, C>T on the plus strand (G>A on the coding strand, the complement: PTCH1 is on the minus strand). VCF-style: chr9-95456413-C-T. GRCh37 (hg19) VCF-style: chr9-98218695-C-T.
Other names: c.2971G>A, p.Val991Met (NM_001083602.3); c.3166G>A, p.Val1056Met (NM_001083603.3); c.2716G>A, p.Val906Met (NM_001083604.3, NM_001083605.3, NM_001083606.3 and 1 more transcripts); c.3013G>A, p.Val1005Met (NM_001354918.2); c.2971G>A (NM_001083602.1); c.3169G>A (NM_000264.3); short protein forms V1005M, V1056M, V1057M, V906M, V991M.
Identifiers: ClinVar variation 999700 (VCV000999700.11), dbSNP rs1838934517, ClinGen allele CA374112234.

ClinVar aggregate classification (germline): Uncertain significance. Review status: criteria provided, multiple submitters, no conflicts (2 of 4 stars). 3 submissions from 3 submitters: Uncertain significance (3). Last evaluated 2026-07-06.

Conditions:
Hereditary cancer-predisposing syndrome. Also called: Tumor predisposition; Hereditary Cancer Syndrome; Hereditary neoplastic syndrome; Neoplastic Syndromes, Hereditary. Identifiers: Orphanet 140162, MedGen C0027672, MeSH D009386, MONDO:0015356.
Gorlin syndrome. Also called: Nevoid Basal Cell Carcinoma Syndrome; Basal cell nevus syndrome. Identifiers: Orphanet 377, MedGen C0004779, MONDO:0007187.

Submissions (3):

Ambry Genetics
Classification: Uncertain significance for Hereditary cancer-predisposing syndrome. Last evaluated: 2026-07-06. Review status: criteria provided, single submitter. Criteria: Ambry Variant Classification Scheme 2023. Collection method: clinical testing. Allele origin: germline.
Comment: The p.V991M variant (also known as c.2971G>A) is located in coding exon 19 of the PTCH1 gene. The valine at codon 991 is replaced by methionine, an amino acid with highly similar properties. This change occurs in the first base pair of coding exon 19. This amino acid position is conserved. In addition, this alteration is predicted to be deleterious by in silico analysis. Based on the available evidence, the clinical significance of this variant remains unclear.

Labcorp Genetics (formerly Invitae), Labcorp
Classification: Uncertain significance for Gorlin syndrome. Last evaluated: 2024-10-20. Review status: criteria provided, single submitter. Criteria: Invitae Variant Classification Sherloc (09022015). Collection method: clinical testing. Allele origin: germline.
Comment: This sequence change replaces valine, which is neutral and non-polar, with methionine, which is neutral and non-polar, at codon 1057 of the PTCH1 protein (p.Val1057Met). This variant is not present in population databases (gnomAD no frequency). This variant has not been reported in the literature in individuals affected with PTCH1-related conditions. ClinVar contains an entry for this variant (Variation ID: 999700). Invitae Evidence Modeling of protein sequence and biophysical properties (such as structural, functional, and spatial information, amino acid conservation, physicochemical variation, residue mobility, and thermodynamic stability) has been performed for this missense variant. However, the output from this modeling did not meet the statistical confidence thresholds required to predict the impact of this variant on PTCH1 protein function. In summary, the available evidence is currently insufficient to determine the role of this variant in disease. Therefore, it has been classified as a Variant of Uncertain Significance.

GeneDx
Classification: Uncertain significance. Last evaluated: 2022-12-21. Review status: criteria provided, single submitter. Criteria: GeneDx Variant Classification Process June 2021. Collection method: clinical testing. Allele origin: germline. Affected: yes.
Comment: Not observed at significant frequency in large population cohorts (gnomAD); In silico analysis supports that this missense variant does not alter protein structure/function; Has not been previously published as pathogenic or benign to our knowledge